The following is an entry in ClinVar:

NM_015158.5(KANK1):c.1006T>C (p.Ser336Pro)

Gene: KANK1 (KN motif and ankyrin repeat domains 1; plus strand). Cytogenetic location: 9p24.3.
Variant type: single nucleotide variant.
Coding change: c.1006T>C on transcript NM_015158.5 (MANE Select); coding-DNA position 1006, T replaced by C.
Protein change: p.Ser336Pro; replaces serine 336 with proline.
Molecular consequence: missense variant. On other transcripts: non-coding transcript variant (1).
Genome position (GRCh38, 1-based): chr9:711,772, T>C. VCF-style: chr9-711772-T-C. GRCh37 (hg19) VCF-style: chr9-711772-T-C.
Other names: c.1006T>C, p.Ser336Pro (NM_001256876.3, NM_001256877.3, NM_001354331.2 and 2 more transcripts); c.532T>C, p.Ser178Pro (NM_001354333.2, NM_001354335.2, NM_001354336.2 and 9 more transcripts); short protein forms S178P, S336P.
Identifiers: ClinVar variation 1480280 (VCV001480280.6), dbSNP rs2130924957, ClinGen allele CA372747317.

ClinVar aggregate classification (germline): Uncertain significance (1 of 4 stars; one submission).

gnomAD v4.1: 1 of 1,614,126 alleles (0.000062%); no homozygotes.

Submission:

Labcorp Genetics (formerly Invitae), Labcorp
Classification: Uncertain significance. Last evaluated: 2022-06-05. Review status: criteria provided, single submitter. Criteria: Invitae Variant Classification Sherloc (09022015). Collection method: clinical testing. Allele origin: germline.
Comment: This sequence change replaces serine, which is neutral and polar, with proline, which is neutral and non-polar, at codon 336 of the KANK1 protein (p.Ser336Pro). This variant is not present in population databases (gnomAD no frequency). This variant has not been reported in the literature in individuals affected with KANK1-related conditions. ClinVar contains an entry for this variant (Variation ID: 1480280). Algorithms developed to predict the effect of missense changes on protein structure and function (SIFT, PolyPhen-2, Align-GVGD) all suggest that this variant is likely to be tolerated. In summary, the available evidence is currently insufficient to determine the role of this variant in disease. Therefore, it has been classified as a Variant of Uncertain Significance.